The following is an entry in ClinVar:

NM_001130438.3(SPTAN1):c.6078T>C (p.Phe2026=)

Gene: SPTAN1 (spectrin alpha, non-erythrocytic 1; plus strand). Cytogenetic location: 9q34.11.
Variant type: single nucleotide variant.
Coding change: c.6078T>C on transcript NM_001130438.3 (MANE Select); coding-DNA position 6078, T replaced by C.
Protein change: p.Phe2026=; no amino-acid change (phenylalanine 2026 retained).
Molecular consequence: synonymous variant.
Genome position (GRCh38, 1-based): chr9:128,625,777, T>C. VCF-style: chr9-128625777-T-C. GRCh37 (hg19) VCF-style: chr9-131388056-T-C.
Other names: c.6003T>C, p.Phe2001= (NM_001195532.2); c.6078T>C, p.Phe2026= (NM_001363759.2); c.6018T>C, p.Phe2006= (NM_001363765.2); c.6063T>C, p.Phe2021= (NM_003127.4).
Identifiers: ClinVar variation 365174 (VCV000365174.41), dbSNP rs776794393, ClinGen allele CA5265640.
Genomic context (GRCh38, chr9:128,625,777, plus strand): 5'-AAGTTCCAGTCCTGTGGAGTCACCACAAATTGGCTTGTCACTCCTTGTTCAGGAAACTTT[T>C]GACGCTGGGCTGCAGGCCTTCCAGCAGGAAGGCATTGCCAACATCACTGCCCTCAAAGAT-3'
Protein context (NP_001123910.1, residues 2016-2036): VQTLLTKQET[Phe2026=]DAGLQAFQQE

ClinVar aggregate classification (germline): Likely benign. Review status: criteria provided, multiple submitters, no conflicts (2 of 4 stars). 5 submissions from 5 submitters: Likely benign (5). Last evaluated 2025-06-01.

Conditions:
Early-infantile DEE. Also called: Ohtahara syndrome; Early infantile epileptic encephalopathy with suppression bursts; Early infantile epileptic encephalopathy. Identifiers: Orphanet 1934, MedGen C0393706, MONDO:0800491.
Inborn genetic diseases. Identifiers: MedGen C0950123, MeSH D030342.

Allele frequency attached by ClinVar (database versions not stated): gnomAD 0.00001; gnomAD exomes 0.00001 and 0.00002; ExAC 0.00002; TOPMed 0.00002.
gnomAD v4.1: 26 of 1,614,088 alleles (0.0016%); highest among the groups gnomAD compares: Middle Eastern, 0.033%; no homozygotes.

Submissions (5):

CeGaT Center for Human Genetics Tuebingen
Classification: Likely benign. Last evaluated: 2025-06-01. Review status: criteria provided, single submitter. Criteria: CeGaT Center For Human Genetics Tuebingen Variant Classification Criteria Version 2. Collection method: clinical testing. Allele origin: germline. Affected: yes. Observed: 4 variant alleles.
Comment: SPTAN1: BP4, BP7

Labcorp Genetics (formerly Invitae), Labcorp
Classification: Likely benign for Early-infantile DEE. Last evaluated: 2024-12-24. Review status: criteria provided, single submitter. Criteria: Invitae Variant Classification Sherloc (09022015). Collection method: clinical testing. Allele origin: germline.

Blueprint Genetics
Classification: Likely benign. Last evaluated: 2024-03-13. Review status: criteria provided, single submitter. Criteria: ACMG Guidelines, 2015. Collection method: clinical testing. Allele origin: germline.

GeneDx
Classification: Likely benign. Last evaluated: 2021-05-06. Review status: criteria provided, single submitter. Criteria: GeneDx Variant Classification Process June 2021. Collection method: clinical testing. Allele origin: germline. Affected: yes.

Ambry Genetics
Classification: Likely benign for Inborn genetic diseases. Last evaluated: 2019-11-13. Review status: criteria provided, single submitter. Criteria: Ambry Variant Classification Scheme 2023. Collection method: clinical testing. Allele origin: germline.